The following is an entry in ClinVar:

ClinVar aggregate classification (germline): Likely benign. Review status: criteria provided, multiple submitters, no conflicts (2 of 4 stars). 2 submissions from 2 submitters: Likely benign (2). Last evaluated 2025-12-13.

Conditions:
OTOF-related disorder. Also called: OTOF-related condition.

Allele frequency attached by ClinVar (database versions not stated): gnomAD exomes 0.00005; TOPMed 0.00006; ExAC 0.00008; gnomAD 0.00011 and 0.00012; 1000 Genomes Project 30x 0.00016; 1000 Genomes Project 0.00020.
gnomAD v4.1: 130 of 1,612,174 alleles (0.0081%); highest among the groups gnomAD compares: Middle Eastern, 0.087%; no homozygotes.

Submissions (2):

Labcorp Genetics (formerly Invitae), Labcorp
Classification: Likely benign. Last evaluated: 2025-12-13. Review status: criteria provided, single submitter. Criteria: Invitae Variant Classification Sherloc (09022015). Collection method: clinical testing. Allele origin: germline.

PreventionGenetics, part of Exact Sciences
Classification: Likely benign for OTOF-related condition. Last evaluated: 2025-04-19. Review status: criteria provided, single submitter. Criteria: ACMG Guidelines, 2015. Collection method: clinical testing. Allele origin: germline.
Comment: This variant is classified as likely benign based on ACMG/AMP sequence variant interpretation guidelines (Richards et al. 2015 PMID: 25741868, with internal and published modifications).

NM_194248.3(OTOF):c.1791G>A (p.Thr597=)

Gene: OTOF (otoferlin; minus strand). Cytogenetic location: 2p23.3.
Variant type: single nucleotide variant.
Coding change: c.1791G>A on transcript NM_194248.3 (MANE Select); coding-DNA position 1791, G replaced by A.
Protein change: p.Thr597=; no amino-acid change (threonine 597 retained).
Molecular consequence: synonymous variant.
Genome position (GRCh38, 1-based): chr2:26,480,798, C>T on the plus strand (G>A on the coding strand, the complement: OTOF is on the minus strand). VCF-style: chr2-26480798-C-T. GRCh37 (hg19) VCF-style: chr2-26703666-C-T.
Other names: c.1791G>A, p.Thr597= (NM_001287489.2).
Identifiers: ClinVar variation 741547 (VCV000741547.7), dbSNP rs369375897, ClinGen allele CA1564181.